The following is an entry in ClinVar:

ClinVar aggregate classification (germline): Likely benign (1 of 4 stars; one submission).

Allele frequency attached by ClinVar (database versions not stated): 1000 Genomes Project 0.00140; 1000 Genomes Project 30x 0.00156; ESP Exome Variant Server 0.00210.
gnomAD v4.1: 5,357 of 1,529,268 alleles (0.35%); highest among the groups gnomAD compares: Non-Finnish European, 0.4%; 19 homozygotes.

Submission:

CeGaT Center for Human Genetics Tuebingen
Classification: Likely benign. Last evaluated: 2026-05-01. Review status: criteria provided, single submitter. Criteria: CeGaT Center For Human Genetics Tuebingen Variant Classification Criteria Version 2. Collection method: clinical testing. Allele origin: germline. Affected: yes. Observed: 4 variant alleles.
Comment: OVCA2: BP4, BP7, BS2

NM_080822.3(OVCA2):c.6C>T (p.Ala2=)

Genes: DPH1 (diphthamide biosynthesis 1; plus strand), OVCA2 (OVCA2 serine hydrolase domain containing; plus strand). Cytogenetic location: 17p13.3.
Variant type: single nucleotide variant.
Coding change: c.6C>T on transcript NM_080822.3 (MANE Select); coding-DNA position 6, C replaced by T.
Protein change: p.Ala2=; no amino-acid change (alanine 2 retained).
Molecular consequence: synonymous variant. On other transcripts: intron variant (4).
Genome position (GRCh38, 1-based): chr17:2,042,053, C>T. VCF-style: chr17-2042053-C-T. GRCh37 (hg19) VCF-style: chr17-1945347-C-T.
Other names: c.*18+178C>T (NM_001346574.1, NM_001346575.1, NM_001383.6 and 1 more transcripts).
Identifiers: ClinVar variation 3067207 (VCV003067207.21), dbSNP rs201424118, ClinGen allele CA8277423.